The following is an entry in ClinVar:

ClinVar aggregate classification (germline): Pathogenic/Likely pathogenic. Review status: criteria provided, multiple submitters, no conflicts (2 of 4 stars). 3 submissions from 3 submitters: Pathogenic (1); Likely pathogenic (1). 1 of the submissions does not count toward it. Last evaluated 2024-04-03.

Conditions:
Pulmonary arterial hypertension. Identifiers: Orphanet 182090, MedGen C2973725, MeSH D000081029, MONDO:0015924, HP:0002092.
Pulmonary venoocclusive disease 1 (PVOD1). Also called: Pulmonary venoocclusive disease 1, autosomal dominant. Identifiers: Orphanet 31837, MedGen C3887658, MONDO:0020713, OMIM 265450.
Pulmonary hypertension, primary, 1 (PPH1). Also called: Pulmonary hypertension, familial primary, 1, with or without HHT. Identifiers: Orphanet 422, MedGen C4552070, MONDO:0024533, OMIM 178600.
Primary pulmonary hypertension. Also called: Idiopathic pulmonary hypertension. Identifiers: MedGen C0152171.

Submissions (3):

Fulgent Genetics
Classification: Likely pathogenic for Pulmonary hypertension, primary, 1; Pulmonary venoocclusive disease 1. Last evaluated: 2024-04-03. Review status: criteria provided, single submitter. Criteria: ACMG Guidelines, 2015. Collection method: clinical testing. Allele origin: germline.

Labcorp Genetics (formerly Invitae), Labcorp
Classification: Pathogenic for Primary pulmonary hypertension. Last evaluated: 2024-02-23. Review status: criteria provided, single submitter. Criteria: Invitae Variant Classification Sherloc (09022015). Collection method: clinical testing. Allele origin: germline.
Comment: This sequence change creates a premature translational stop signal (p.Gly390Glufs*3) in the BMPR2 gene. It is expected to result in an absent or disrupted protein product. Loss-of-function variants in BMPR2 are known to be pathogenic (PMID: 16429395). This variant is not present in population databases (gnomAD no frequency). This variant has not been reported in the literature in individuals affected with BMPR2-related conditions. ClinVar contains an entry for this variant (Variation ID: 1706628). For these reasons, this variant has been classified as Pathogenic.

John Welsh Cardiovascular Diagnostic Laboratory, Baylor College of Medicine
Classification: Pathogenic for Pulmonary arterial hypertension. Last evaluated: 2022-09-26. Review status: no assertion criteria provided. Criteria: ACMG Guidelines, 2015. Collection method: clinical testing. Allele origin: germline. Affected: yes. Not counted in ClinVar's aggregate classification.

Literature cited by the submitters: PubMed 16429395 (cited by Labcorp Genetics (formerly Invitae), Labcorp).

NM_001204.7(BMPR2):c.1169del (p.Gly390fs)

Gene: BMPR2 (bone morphogenetic protein receptor type 2; plus strand). Cytogenetic location: 2q33.2.
Variant type: Deletion.
Coding change: c.1169del on transcript NM_001204.7 (MANE Select); coding-DNA position 1169, one base deleted (G; older notation c.1169delG).
Protein change: p.Gly390fs; shifts the reading frame from glycine 390.
Molecular consequence: frameshift variant.
Genome position (GRCh38, 1-based): chr2:202,532,625, G deleted; the last of 2 consecutive G bases (chr2:202,532,624-202,532,625); deleting either gives the same sequence. VCF-style (leftmost placement, unchanged base first): chr2-202532623-AG-A. GRCh37 (hg19) VCF-style: chr2-203397346-AG-A.
Other names: c.1169delG (NM_001204.7); short protein forms G390fs.
Identifiers: ClinVar variation 1706628 (VCV001706628.5), dbSNP rs2468703779, ClinGen allele CA2580065453.
Genomic context (GRCh38, chr2:202,532,623, plus strand): 5'-AAATATCACTCTAATTTATCAGGTTGGCACTATCAGATATATGGCACCAGAAGTGCTAGA[AG>A]GAGCTGTGAACTTGAGGGACTGTGAATCAGCTTTGAAACAAGTAGACATGTATGCTCTTG-3'